The following is an entry in ClinVar:

NM_000843.4(GRM6):c.591C>G (p.Asp197Glu)

Gene: GRM6 (glutamate metabotropic receptor 6; minus strand). Cytogenetic location: 5q35.3.
Variant type: single nucleotide variant.
Coding change: c.591C>G on transcript NM_000843.4 (MANE Select); coding-DNA position 591, C replaced by G.
Protein change: p.Asp197Glu; replaces aspartic acid 197 with glutamic acid.
Molecular consequence: missense variant.
Genome position (GRCh38, 1-based): chr5:178,991,997, G>C on the plus strand (C>G on the coding strand, the complement: GRM6 is on the minus strand). VCF-style: chr5-178991997-G-C. GRCh37 (hg19) VCF-style: chr5-178418998-G-C.
Other names: short protein forms D197E.
Identifiers: ClinVar variation 4694216 (VCV004694216.1).

ClinVar aggregate classification (germline): Uncertain significance (1 of 4 stars; one submission).

gnomAD v4.1: 24 of 1,613,876 alleles (0.0015%); highest among the groups gnomAD compares: Non-Finnish European, 0.0018%; no homozygotes.

Submission:

Labcorp Genetics (formerly Invitae), Labcorp
Classification: Uncertain significance. Last evaluated: 2025-07-27. Review status: criteria provided, single submitter. Criteria: Invitae Variant Classification Sherloc (09022015). Collection method: clinical testing. Allele origin: germline.
Comment: This sequence change replaces aspartic acid, which is acidic and polar, with glutamic acid, which is acidic and polar, at codon 197 of the GRM6 protein (p.Asp197Glu). This variant is present in population databases (rs369678169, gnomAD 0.003%). This variant has not been reported in the literature in individuals affected with GRM6-related conditions. Invitae Evidence Modeling of protein sequence and biophysical properties (such as structural, functional, and spatial information, amino acid conservation, physicochemical variation, residue mobility, and thermodynamic stability) has been performed for this missense variant. However, the output from this modeling did not meet the statistical confidence thresholds required to predict the impact of this variant on GRM6 protein function. In summary, the available evidence is currently insufficient to determine the role of this variant in disease. Therefore, it has been classified as a Variant of Uncertain Significance.